The following is an entry in ClinVar:

ClinVar aggregate classification (germline): Uncertain significance (1 of 4 stars; one submission).

Conditions:
Cardiovascular phenotype. Identifiers: MedGen CN230736.

Submission:

Ambry Genetics
Classification: Uncertain significance for Cardiovascular phenotype. Last evaluated: 2025-06-22. Review status: criteria provided, single submitter. Criteria: Ambry Variant Classification Scheme 2023. Collection method: clinical testing. Allele origin: germline.
Comment: The p.S1884W variant (also known as c.5651C>G), located in coding exon 38 of the ANK2 gene, results from a C to G substitution at nucleotide position 5651. The serine at codon 1884 is replaced by tryptophan, an amino acid with highly dissimilar properties. This amino acid position is conserved. In addition, the in silico prediction for this alteration is inconclusive. Based on the available evidence, the clinical significance of this variant remains unclear.

NM_001148.6(ANK2):c.5651C>G (p.Ser1884Trp)

Genes: ANK2 (ankyrin 2; plus strand), LOC126807136 (MED14-independent group 3 enhancer GRCh37_chr4:114274931-114276130; plus strand). Cytogenetic location: 4q26.
Variant type: single nucleotide variant.
Coding change: c.5651C>G on transcript NM_001148.6 (MANE Select); coding-DNA position 5651, C replaced by G.
Protein change: p.Ser1884Trp; replaces serine 1884 with tryptophan.
Molecular consequence: missense variant. On other transcripts: intron variant (68).
Genome position (GRCh38, 1-based): chr4:113,354,269, C>G. VCF-style: chr4-113354269-C-G. GRCh37 (hg19) VCF-style: chr4-114275425-C-G.
Other names: c.4141+4020C>G (NM_001354260.2, NM_001354271.2, NM_001386151.1); c.4042+4020C>G (NM_001386157.1, NM_001354277.2); c.4360+4020C>G (NM_001386161.1, NM_001354244.2, NM_001354256.2); c.4285+4020C>G (NM_001354261.2); c.4165+4020C>G (NM_001386156.1, NM_001354257.2); c.4261+4020C>G (NM_001354264.2); c.4240+4020C>G (NM_001354267.2, NM_001386162.1, NM_001354249.2 and 2 more transcripts); c.3943+4020C>G (NM_001386158.1); and 35 more; short protein forms S1806W, S1884W, S1931W, S684W, S1923W.
Identifiers: ClinVar variation 4096463 (VCV004096463.1).